The following is an entry in ClinVar:

ClinVar aggregate classification (germline): Uncertain significance (1 of 4 stars; one submission).

Conditions:
Primary hyperoxaluria, type I (HP1). Also called: GLYCOLIC ACIDURIA; HEPATIC AGT DEFICIENCY; Primary hyperoxaluria type 1; OXALOSIS I. Identifiers: Orphanet 416, Orphanet 93598, MedGen C0268164, MONDO:0009823, OMIM 259900. Disease mechanism: loss of function.

gnomAD v4.1: 35 of 1,613,306 alleles (0.0022%); highest among the groups gnomAD compares: Middle Eastern, 0.016%; no homozygotes.

Submission:

Institute of Human Genetics, University of Leipzig Medical Center
Classification: Uncertain significance for Primary hyperoxaluria, type I. Last evaluated: 2024-06-12. Review status: criteria provided, single submitter. Criteria: ACMG Guidelines, 2015. Collection method: clinical testing. Allele origin: unknown. Inheritance: Autosomal recessive inheritance. Affected: yes.
Comment: Criteria applied: PM2,PP3

NM_000030.3(AGXT):c.1036G>A (p.Glu346Lys)

Gene: AGXT (alanine--glyoxylate aminotransferase; plus strand). Cytogenetic location: 2q37.3.
Variant type: single nucleotide variant.
Coding change: c.1036G>A on transcript NM_000030.3 (MANE Select); coding-DNA position 1036, G replaced by A.
Protein change: p.Glu346Lys; replaces glutamic acid 346 with lysine.
Molecular consequence: missense variant.
Genome position (GRCh38, 1-based): chr2:240,878,115, G>A. VCF-style: chr2-240878115-G-A. GRCh37 (hg19) VCF-style: chr2-241817532-G-A.
Other names: short protein forms E346K.
Identifiers: ClinVar variation 3358971 (VCV003358971.2).